The following is an entry in ClinVar:

NM_001085049.3(MRAS):c.313C>T (p.Arg105Cys)

Gene: MRAS (muscle RAS oncogene homolog; plus strand). Cytogenetic location: 3q22.3.
Variant type: single nucleotide variant.
Coding change: c.313C>T on transcript NM_001085049.3 (MANE Select); coding-DNA position 313, C replaced by T.
Protein change: p.Arg105Cys; replaces arginine 105 with cysteine.
Molecular consequence: missense variant.
Genome position (GRCh38, 1-based): chr3:138,397,443, C>T. VCF-style: chr3-138397443-C-T. GRCh37 (hg19) VCF-style: chr3-138116285-C-T.
Other names: c.313C>T, p.Arg105Cys (NM_001252090.2, NM_012219.4); c.85C>T, p.Arg29Cys (NM_001252091.1, NM_001252092.2, NM_001252093.2); c.313C>T (NM_012219.3); short protein forms R105C, R29C.
Identifiers: ClinVar variation 1491732 (VCV001491732.7), dbSNP rs1053419617, ClinGen allele CA83904891.
Genomic context (GRCh38, chr3:138,397,443, plus strand): 5'-GGGGATGGCTTCCTCATCGTCTACTCCGTCACTGACAAGGCCAGCTTTGAGCACGTGGAC[C>T]GCTTCCACCAGCTTATCCTGCGCGTCAAAGACAGGTGAGCATCAAAGACAGGTGAGAGTA-3'
Protein context (NP_001078518.1, residues 95-115): TDKASFEHVD[Arg105Cys]FHQLILRVKD

ClinVar aggregate classification (germline): Uncertain significance. Review status: criteria provided, multiple submitters, no conflicts (2 of 4 stars). 2 submissions from 2 submitters: Uncertain significance (2). Last evaluated 2024-09-11.

Conditions:
Inborn genetic diseases. Identifiers: MedGen C0950123, MeSH D030342.

Allele frequency attached by ClinVar (database versions not stated): TOPMed below 0.00001; gnomAD 0.00001; gnomAD exomes 0.00001.
gnomAD v4.1: 21 of 1,614,010 alleles (0.0013%); highest among the groups gnomAD compares: Admixed American, 0.0017%; no homozygotes.

Submissions (2):

Ambry Genetics
Classification: Uncertain significance for Inborn genetic diseases. Last evaluated: 2024-09-11. Review status: criteria provided, single submitter. Criteria: Ambry Variant Classification Scheme 2023. Collection method: clinical testing. Allele origin: germline.
Comment: The p.R105C variant (also known as c.313C>T), located in coding exon 2 of the MRAS gene, results from a C to T substitution at nucleotide position 313. The arginine at codon 105 is replaced by cysteine, an amino acid with highly dissimilar properties. This amino acid position is conserved. In addition, this alteration is predicted to be deleterious by in silico analysis. Based on the available evidence, the clinical significance of this variant remains unclear.

Labcorp Genetics (formerly Invitae), Labcorp
Classification: Uncertain significance. Last evaluated: 2024-09-09. Review status: criteria provided, single submitter. Criteria: Invitae Variant Classification Sherloc (09022015). Collection method: clinical testing. Allele origin: germline.
Comment: This sequence change replaces arginine, which is basic and polar, with cysteine, which is neutral and slightly polar, at codon 105 of the MRAS protein (p.Arg105Cys). This variant is present in population databases (no rsID available, gnomAD 0.003%). This variant has not been reported in the literature in individuals affected with MRAS-related conditions. ClinVar contains an entry for this variant (Variation ID: 1491732). An algorithm developed to predict the effect of missense changes on protein structure and function (PolyPhen-2) suggests that this variant is likely to be disruptive. In summary, the available evidence is currently insufficient to determine the role of this variant in disease. Therefore, it has been classified as a Variant of Uncertain Significance.